The following is an entry in ClinVar:

NM_139276.3(STAT3):c.1888+142C>G

Gene: STAT3 (signal transducer and activator of transcription 3; minus strand). Cytogenetic location: 17q21.2.
Variant type: single nucleotide variant.
Coding change: c.1888+142C>G on transcript NM_139276.3 (MANE Select); 142 bases into the intron after coding-DNA position 1888, C replaced by G.
Molecular consequence: intron variant.
Genome position (GRCh38, 1-based): chr17:42,322,862, G>C on the plus strand (C>G on the coding strand, the complement: STAT3 is on the minus strand). VCF-style: chr17-42322862-G-C. GRCh37 (hg19) VCF-style: chr17-40474880-G-C.
Other names: NC_000017.10:g.40474880G>C; c.1792+142C>G (NM_001384989.1); c.1828+142C>G (NM_001384992.1); c.1804+142C>G (NM_001384984.1); c.1888+142C>G (NM_001369519.1, NM_003150.4, NM_001369517.1 and 9 more transcripts); c.1810+142C>G (NM_001384985.1); c.1867+142C>G (NM_001384987.1); c.1861+142C>G (NM_001384991.1); and 1 more.
Identifiers: ClinVar variation 677151 (VCV000677151.4), dbSNP rs8081431, ClinGen allele CA14378870.

ClinVar aggregate classification (germline): Benign. Review status: criteria provided, multiple submitters, no conflicts (2 of 4 stars). 2 submissions from 2 submitters: Benign (2). Last evaluated 2023-11-12.

Allele frequency attached by ClinVar (database versions not stated): gnomAD 0.18660 and 0.19210; TOPMed 0.18623; 1000 Genomes Project 30x 0.23907; 1000 Genomes Project 0.24581.
gnomAD v4.1: 221,437 of 1,177,886 alleles (19%); highest among the groups gnomAD compares: East Asian, 34%; 22,897 homozygotes.

Submissions (5):

Unidad de Genómica Garrahan, Hospital de Pediatría Garrahan
Classification: Benign. Last evaluated: 2023-11-12. Review status: criteria provided, single submitter. Criteria: ACMG Guidelines, 2015. Collection method: clinical testing. Allele origin: germline. Affected: no. Observed: 23 variant alleles.
Comment: This variant is classified as Benign based on local population frequency. This variant was detected in 24% of patients studied by a panel of primary immunodeficiencies. Number of patients: 23. Only high quality variants are reported.

GeneDx
Classification: Benign. Last evaluated: 2018-06-14. Review status: criteria provided, single submitter. Criteria: GeneDx Variant Classification (06012015). Collection method: clinical testing. Allele origin: germline. Affected: yes.
Comment: This variant is considered likely benign or benign based on one or more of the following criteria: it is a conservative change, it occurs at a poorly conserved position in the protein, it is predicted to be benign by multiple in silico algorithms, and/or has population frequency not consistent with disease.

Dr. Peter K. Rogan Lab, Western University
No classification provided (evidence only). Condition: Malignant lymphoma, large B-cell, diffuse. Review status: no classification provided. Collection method: in vitro. Allele origin: not applicable. Functional consequence: retained intron. Not counted in ClinVar's aggregate classification.

Dr. Peter K. Rogan Lab, Western University
No classification provided (evidence only). Condition: Hepatocellular carcinoma. Review status: no classification provided. Collection method: in vitro. Allele origin: not applicable. Functional consequence: retained intron. Not counted in ClinVar's aggregate classification.

Dr. Peter K. Rogan Lab, Western University
No classification provided (evidence only). Condition: Cholangiocarcinoma. Review status: no classification provided. Collection method: in vitro. Allele origin: not applicable. Functional consequence: retained intron. Not counted in ClinVar's aggregate classification.